The following is an entry in ClinVar:

NM_000104.4(CYP1B1):c.1426T>C (p.Ser476Pro)

Genes: CYP1B1 (cytochrome P450 family 1 subfamily B member 1; minus strand), LOC128772254 (melanoma risk locus-associated MPRA allelic enhancer 2:38298139; plus strand). Cytogenetic location: 2p22.2.
Variant type: single nucleotide variant.
Coding change: c.1426T>C on transcript NM_000104.4 (MANE Select); coding-DNA position 1426, T replaced by C.
Protein change: p.Ser476Pro; replaces serine 476 with proline.
Molecular consequence: missense variant.
Genome position (GRCh38, 1-based): chr2:38,070,928, A>G on the plus strand (T>C on the coding strand, the complement: CYP1B1 is on the minus strand). VCF-style: chr2-38070928-A-G. GRCh37 (hg19) VCF-style: chr2-38298071-A-G.
Other names: short protein forms S476P.
Identifiers: ClinVar variation 996795 (VCV000996795.5), dbSNP rs1682416281, ClinGen allele CA346327188.
Genomic context (GRCh38, chr2:38,070,928, plus strand): 5'-TGGCCCTGAAATCGCACTGGTGAGCCAGGATGGAGATGAAGAGAAAAAGCTGCATCTTAG[A>G]AAGTTCTTCGCCAATGCACCGCCTTTTGCCCACTGAAAAAATCATCACTCTGCTGGTCAG-3'
Protein context (NP_000095.2, residues 466-486): GKRRCIGEEL[Ser476Pro]KMQLFLFISI

ClinVar aggregate classification (germline): Conflicting classifications of pathogenicity. Review status: criteria provided, conflicting classifications (1 of 4 stars). 2 submissions from 2 submitters: Likely pathogenic (1); Uncertain significance (1). Last evaluated 2023-10-27.

Conditions:
Congenital glaucoma. Identifiers: MedGen C0020302, MONDO:0020366.

Allele frequency attached by ClinVar (database versions not stated): TOPMed below 0.00001.

Submissions (2):

Labcorp Genetics (formerly Invitae), Labcorp
Classification: Uncertain significance for Congenital glaucoma. Last evaluated: 2023-10-27. Review status: criteria provided, single submitter. Criteria: Invitae Variant Classification Sherloc (09022015). Collection method: clinical testing. Allele origin: germline.
Comment: This sequence change replaces serine, which is neutral and polar, with proline, which is neutral and non-polar, at codon 476 of the CYP1B1 protein (p.Ser476Pro). This variant is not present in population databases (gnomAD no frequency). This missense change has been observed in individual(s) with primary congenital glaucoma (PMID: 25978063; Invitae). In at least one individual the data is consistent with being in trans (on the opposite chromosome) from a pathogenic variant. ClinVar contains an entry for this variant (Variation ID: 996795). Advanced modeling of protein sequence and biophysical properties (such as structural, functional, and spatial information, amino acid conservation, physicochemical variation, residue mobility, and thermodynamic stability) performed at Invitae indicates that this missense variant is not expected to disrupt CYP1B1 protein function with a negative predictive value of 80%. In summary, the available evidence is currently insufficient to determine the role of this variant in disease. Therefore, it has been classified as a Variant of Uncertain Significance.

Institute of Medical Genetics and Applied Genomics, University Hospital Tübingen
Classification: Likely pathogenic. Last evaluated: 2021-02-01. Review status: criteria provided, single submitter. Criteria: ACMG Guidelines, 2015. Collection method: clinical testing. Allele origin: germline. Inheritance: Autosomal recessive inheritance. Affected: yes.

Literature cited by the submitters: PubMed 25978063 (cited by Labcorp Genetics (formerly Invitae), Labcorp).